The following is an entry in ClinVar:

ClinVar aggregate classification (germline): Uncertain significance (1 of 4 stars; one submission).

Allele frequency attached by ClinVar (database versions not stated): gnomAD exomes below 0.00001.
gnomAD v4.1: 3 of 1,614,184 alleles (0.00019%); highest among the groups gnomAD compares: Admixed American, 0.0033%; no homozygotes.

Submission:

Labcorp Genetics (formerly Invitae), Labcorp
Classification: Uncertain significance. Last evaluated: 2022-04-30. Review status: criteria provided, single submitter. Criteria: Invitae Variant Classification Sherloc (09022015). Collection method: clinical testing. Allele origin: germline.
Comment: This sequence change replaces valine, which is neutral and non-polar, with isoleucine, which is neutral and non-polar, at codon 148 of the KIF20A protein (p.Val148Ile). This variant is present in population databases (no rsID available, gnomAD 0.006%). This variant has not been reported in the literature in individuals affected with KIF20A-related conditions. Algorithms developed to predict the effect of missense changes on protein structure and function (SIFT, PolyPhen-2, Align-GVGD) all suggest that this variant is likely to be disruptive. In summary, the available evidence is currently insufficient to determine the role of this variant in disease. Therefore, it has been classified as a Variant of Uncertain Significance.

NM_005733.3(KIF20A):c.442G>A (p.Val148Ile)

Gene: KIF20A (kinesin family member 20A; plus strand). Cytogenetic location: 5q31.2.
Variant type: single nucleotide variant.
Coding change: c.442G>A on transcript NM_005733.3 (MANE Select); coding-DNA position 442, G replaced by A.
Protein change: p.Val148Ile; replaces valine 148 with isoleucine.
Molecular consequence: missense variant.
Genome position (GRCh38, 1-based): chr5:138,182,389, G>A. VCF-style: chr5-138182389-G-A. GRCh37 (hg19) VCF-style: chr5-137518078-G-A.
Other names: short protein forms V148I.
Identifiers: ClinVar variation 1950022 (VCV001950022.5), dbSNP rs1333945752, ClinGen allele CA361113138.